The following is an entry in ClinVar:

NM_001282144.2(NLRX1):c.70+255G>A

Gene: NLRX1 (NLR family member X1; plus strand). Cytogenetic location: 11q23.3.
Variant type: single nucleotide variant.
Coding change: c.70+255G>A on transcript NM_001282144.2 (MANE Select); 255 bases into the intron after coding-DNA position 70, G replaced by A.
Molecular consequence: intron variant.
Genome position (GRCh38, 1-based): chr11:119,171,728, G>A. VCF-style: chr11-119171728-G-A. GRCh37 (hg19) VCF-style: chr11-119042437-G-A.
Other names: c.70+255G>A (NM_001282358.2, NM_024618.4, NM_001282143.2).
Identifiers: ClinVar variation 103147 (VCV000103147.2), dbSNP rs199476035, ClinGen allele CA230186.

ClinVar aggregate classification (germline): not provided (0 of 4 stars; one submission).

Allele frequency attached by ClinVar (database versions not stated): TOPMed below 0.00001.
gnomAD v4.1: 4 of 152,098 alleles (0.0026%); highest among the groups gnomAD compares: African/African-American, 0.0072%; no homozygotes.

Submission:

Human Evolutionary Genetics, Institut Pasteur
No classification provided. Review status: no classification provided. Collection method: not provided. Allele origin: germline.
ClinVar note: Converted during submission from untested to not provided.